The following is an entry in ClinVar:

NM_001035.3(RYR2):c.4121A>G (p.Lys1374Arg)

Genes: RYR2 (ryanodine receptor 2; plus strand), LOC126806067 (BRD4-independent group 4 enhancer GRCh37_chr1:237753258-237754457; plus strand). Cytogenetic location: 1q43.
Variant type: single nucleotide variant.
Coding change: c.4121A>G on transcript NM_001035.3 (MANE Select); coding-DNA position 4121, A replaced by G.
Protein change: p.Lys1374Arg; replaces lysine 1374 with arginine.
Molecular consequence: missense variant.
Genome position (GRCh38, 1-based): chr1:237,590,953, A>G. VCF-style: chr1-237590953-A-G. GRCh37 (hg19) VCF-style: chr1-237754253-A-G.
Other names: c.4121A>G (NM_001035.2); short protein forms K1374R.
Identifiers: ClinVar variation 922178 (VCV000922178.15), dbSNP rs1675089718, ClinGen allele CA072568.

ClinVar aggregate classification (germline): Uncertain significance. Review status: criteria provided, multiple submitters, no conflicts (2 of 4 stars). 4 submissions from 4 submitters: Uncertain significance (4). Last evaluated 2024-08-19.

Conditions:
Cardiovascular phenotype. Identifiers: MedGen CN230736.
Catecholaminergic polymorphic ventricular tachycardia (CVPT). Also called: Catecholamine-induced polymorphic ventricular tachycardia. Identifiers: Orphanet 3286, MedGen C5574922, MONDO:0017990.
Cardiomyopathy (CMYO). Also called: Cardiomyopathies. Identifiers: Orphanet 167848, MedGen C0878544, MONDO:0004994, HP:0001638. Inheritance: Various modes of inheritance.
Catecholaminergic polymorphic ventricular tachycardia 1. Also called: VENTRICULAR TACHYCARDIA, CATECHOLAMINERGIC POLYMORPHIC, 1, WITH OR WITHOUT ATRIAL DYSFUNCTION AND/OR DILATED CARDIOMYOPATHY; RYR2-Related Catecholaminergic Polymorphic Ventricular Tachycardia; VENTRICULAR TACHYCARDIA, STRESS-INDUCED POLYMORPHIC 1. Identifiers: Orphanet 3286, MedGen C1631597, MONDO:0011484, OMIM 604772.

Allele frequency attached by ClinVar (database versions not stated): TOPMed below 0.00001; gnomAD 0.00001.
gnomAD v4.1: 1 of 1,613,588 alleles (0.000062%); highest among the groups gnomAD compares: Non-Finnish European, 0.000085%; no homozygotes.

Submissions (4):

Labcorp Genetics (formerly Invitae), Labcorp
Classification: Uncertain significance for Catecholaminergic polymorphic ventricular tachycardia 1. Last evaluated: 2024-08-19. Review status: criteria provided, single submitter. Criteria: Invitae Variant Classification Sherloc (09022015). Collection method: clinical testing. Allele origin: germline.
Comment: This sequence change replaces lysine, which is basic and polar, with arginine, which is basic and polar, at codon 1374 of the RYR2 protein (p.Lys1374Arg). This variant is not present in population databases (gnomAD no frequency). This variant has not been reported in the literature in individuals affected with RYR2-related conditions. ClinVar contains an entry for this variant (Variation ID: 922178). Invitae Evidence Modeling of protein sequence and biophysical properties (such as structural, functional, and spatial information, amino acid conservation, physicochemical variation, residue mobility, and thermodynamic stability) has been performed for this missense variant. However, the output from this modeling did not meet the statistical confidence thresholds required to predict the impact of this variant on RYR2 protein function. In summary, the available evidence is currently insufficient to determine the role of this variant in disease. Therefore, it has been classified as a Variant of Uncertain Significance.

Color Diagnostics, LLC DBA Color Health
Classification: Uncertain significance for Cardiomyopathy. Last evaluated: 2024-03-07. Review status: criteria provided, single submitter. Criteria: ACMG Guidelines, 2015. Collection method: clinical testing. Allele origin: germline.
Comment: This missense variant replaces lysine with arginine at codon 1374 of the RYR2 protein. Computational prediction suggests that this variant may not impact protein structure and function (internally defined REVEL score threshold <= 0.5, PMID: 27666373). To our knowledge, functional studies have not been reported for this variant. This variant has not been reported in individuals affected with RYR2-related disorders in the literature. This variant has not been identified in the general population by the Genome Aggregation Database (gnomAD). The available evidence is insufficient to determine the role of this variant in disease conclusively. Therefore, this variant is classified as a Variant of Uncertain Significance.

Ambry Genetics
Classification: Uncertain significance for Cardiovascular phenotype. Last evaluated: 2023-12-29. Review status: criteria provided, single submitter. Criteria: Ambry Variant Classification Scheme 2023. Collection method: clinical testing. Allele origin: germline.
Comment: The p.K1374R variant (also known as c.4121A>G), located in coding exon 31 of the RYR2 gene, results from an A to G substitution at nucleotide position 4121. The lysine at codon 1374 is replaced by arginine, an amino acid with highly similar properties. This amino acid position is highly conserved in available vertebrate species. In addition, the in silico prediction for this alteration is inconclusive. Since supporting evidence is limited at this time, the clinical significance of this alteration remains unclear.

All of Us Research Program, National Institutes of Health
Classification: Uncertain significance for Catecholaminergic polymorphic ventricular tachycardia. Last evaluated: 2023-08-23. Review status: criteria provided, single submitter. Criteria: ACMG Guidelines, 2015. Collection method: clinical testing. Allele origin: germline. Inheritance: Autosomal dominant inheritance. Observed: 2 variant alleles, 2 heterozygotes.
Comment: Variant of Uncertain Significance due to insufficient evidence: This missense variant is located in the cytoplasmic SPRY domain 3 of the RYR2 protein. Computational prediction tools and conservation analyses suggest that this variant may have deleterious impact on the protein function. Computational splicing tools suggest that this variant may not impact RNA splicing. To our knowledge, functional assays have not been performed for this variant nor has this variant been reported in individuals affected with cardiovascular disorders in the literature. This variant is rare in the general population and has been identified in 0/277264 chromosomes by the Genome Aggregation Database (gnomAD). Available evidence is insufficient to determine the pathogenicity of this variant conclusively.

This study involves interpretation of variants in research participants for the purpose of population health screening. Participant phenotype was not available at the time of variant classification. Additional details can be found in publication PMID: 35346344, PMCID: PMC8962531